The following is an entry in ClinVar:

NM_000038.6(APC):c.7231A>C (p.Asn2411His)

Gene: APC (APC regulator of Wnt signaling pathway; plus strand). Cytogenetic location: 5q22.2.
Variant type: single nucleotide variant.
Coding change: c.7231A>C on transcript NM_000038.6 (MANE Select); coding-DNA position 7231, A replaced by C.
Protein change: p.Asn2411His; replaces asparagine 2411 with histidine.
Molecular consequence: missense variant. On other transcripts: non-coding transcript variant (2).
Genome position (GRCh38, 1-based): chr5:112,842,825, A>C. VCF-style: chr5-112842825-A-C. GRCh37 (hg19) VCF-style: chr5-112178522-A-C.
Other names: c.6928A>C, p.Asn2310His (NM_001407460.1, NM_001354903.2, NM_001407458.1 and 1 more transcripts); c.6844A>C, p.Asn2282His (NM_001407467.1, NM_001407469.1); c.6382A>C, p.Asn2128His (NM_001407470.1, NM_001354906.2); c.6079A>C, p.Asn2027His (NM_001407471.1, NM_001407472.1); c.7231A>C, p.Asn2411His (NM_001127510.3, NM_001354895.2, NM_001407450.1); c.7177A>C, p.Asn2393His (NM_001127511.3); c.7285A>C, p.Asn2429His (NM_001354896.2, NM_001407447.1, NM_001407448.1 and 1 more transcripts); c.7261A>C, p.Asn2421His (NM_001354897.2); and 12 more; short protein forms N2027H, N2128H, N2251H, N2282H, N2285H, N2310H, N2320H, N2328H.
Identifiers: ClinVar variation 4801517 (VCV004801517.2).

ClinVar aggregate classification (germline): Uncertain significance. Review status: criteria provided, multiple submitters, no conflicts (2 of 4 stars). 2 submissions from 2 submitters: Uncertain significance (2). Last evaluated 2026-07-07.

Conditions:
Familial adenomatous polyposis 1 (FAP1). Also called: FAMILIAL ADENOMATOUS POLYPOSIS 1, ATTENUATED; POLYPOSIS, ADENOMATOUS INTESTINAL. Identifiers: MedGen C2713442, MONDO:0021056, OMIM 175100. Disease mechanism: loss of function.
Hereditary cancer-predisposing syndrome. Also called: Hereditary Cancer Syndrome; Hereditary neoplastic syndrome; Neoplastic Syndromes, Hereditary; Tumor predisposition. Identifiers: Orphanet 140162, MedGen C0027672, MeSH D009386, MONDO:0015356.

Submissions (2):

Ambry Genetics
Classification: Uncertain significance for Hereditary cancer-predisposing syndrome. Last evaluated: 2026-07-07. Review status: criteria provided, single submitter. Criteria: Ambry Variant Classification Scheme 2023. Collection method: clinical testing. Allele origin: germline.
Comment: The p.N2411H variant (also known as c.7231A>C), located in coding exon 15 of the APC gene, results from an A to C substitution at nucleotide position 7231. The asparagine at codon 2411 is replaced by histidine, an amino acid with similar properties. This amino acid position is conserved. In addition, in silico predictors for this gene do not accurately predict pathogenicity. Based on the available evidence, the clinical significance of this variant remains unclear.

Labcorp Genetics (formerly Invitae), Labcorp
Classification: Uncertain significance for Familial adenomatous polyposis 1. Last evaluated: 2025-05-18. Review status: criteria provided, single submitter. Criteria: Invitae Variant Classification Sherloc (09022015). Collection method: clinical testing. Allele origin: germline.
Comment: This sequence change replaces asparagine, which is neutral and polar, with histidine, which is basic and polar, at codon 2411 of the APC protein (p.Asn2411His). This variant is present in population databases (no rsID available, gnomAD 0.003%). This variant has not been reported in the literature in individuals affected with APC-related conditions. Invitae Evidence Modeling of protein sequence and biophysical properties (such as structural, functional, and spatial information, amino acid conservation, physicochemical variation, residue mobility, and thermodynamic stability) indicates that this missense variant is not expected to disrupt APC protein function with a negative predictive value of 95%. In summary, the available evidence is currently insufficient to determine the role of this variant in disease. Therefore, it has been classified as a Variant of Uncertain Significance.